The following is an entry in ClinVar:

NM_017565.4(FAM20A):c.734_735del (p.Glu245fs)

Genes: FAM20A (FAM20A golgi associated secretory pathway pseudokinase; minus strand), PRKAR1A (protein kinase cAMP-dependent type I regulatory subunit alpha; plus strand). Cytogenetic location: 17q24.2.
Variant type: Deletion.
Coding change: c.734_735del on transcript NM_017565.4 (MANE Select); coding-DNA positions 734 to 735, 2 bases deleted (AG; older notation c.734_735delAG).
Protein change: p.Glu245fs; shifts the reading frame from glutamic acid 245.
Molecular consequence: frameshift variant. On other transcripts: non-coding transcript variant (1), intron variant (1).
Genome position (GRCh38, 1-based): chr17:68,543,706-68,543,707, CT deleted on the plus strand (AG on the coding strand, the reverse complement: FAM20A is on the minus strand); deleting any 2 consecutive bases within chr17:68,543,706-68,543,708 gives the same sequence; the c. name uses the placement nearest the transcript's 3' end. VCF-style (leftmost placement, unchanged base first): chr17-68543705-CCT-C. GRCh37 (hg19) VCF-style: chr17-66539846-CCT-C.
Other names: c.320_321del, p.Glu107fs (NM_001243746.2); c.974-7377_974-7376del (NM_001276290.1); short protein forms E107fs, E245fs.
Identifiers: ClinVar variation 1192297 (VCV001192297.1), dbSNP rs756165050.

ClinVar aggregate classification (germline): Pathogenic (1 of 4 stars; one submission).

Conditions:
Amelogenesis imperfecta type 1G (AI1G). Also called: AMELOGENESIS IMPERFECTA, TYPE IG; AMELOGENESIS IMPERFECTA, HYPOPLASTIC, AND NEPHROCALCINOSIS; Amelogenesis imperfecta hypoplastic type, IG; Amelogenesis imperfecta and nephrocalcinosis; AMELOGENESIS IMPERFECTA, HYPOPLASTIC, WITH NEPHROCALCINOSIS; Amelogenesis imperfecta nephrocalcinosis. Identifiers: Orphanet 1031, Orphanet 171836, MedGen C2931783, MONDO:0008771, OMIM 204690. Disease mechanism: loss of function.

Submission:

First Genomix Gene Laboratory, Genetic Diagnostics Department
Classification: Pathogenic for Amelogenesis imperfecta type 1G. Last evaluated: 2025-09-24. Review status: criteria provided, single submitter. Criteria: ACMG Guidelines, 2015. Collection method: clinical testing. Allele origin: germline. Inheritance: Autosomal recessive inheritance. Affected: no. Observed: 1 variant allele.